The following is an entry in ClinVar:

NM_004960.4(FUS):c.*132C>A

Gene: FUS (FUS DNA/RNA binding protein; plus strand). Cytogenetic location: 16p11.2.
Variant type: single nucleotide variant.
Coding change: c.*132C>A on transcript NM_004960.4 (MANE Select); 132 bases downstream of the stop codon, C replaced by A.
Molecular consequence: 3 prime UTR variant. On other transcripts: non-coding transcript variant (1).
Genome position (GRCh38, 1-based): chr16:31,191,570, C>A. VCF-style: chr16-31191570-C-A. GRCh37 (hg19) VCF-style: chr16-31202891-C-A.
Other names: c.*132C>A (NM_001170634.1, NM_001170937.1).
Identifiers: ClinVar variation 886476 (VCV000886476.37), dbSNP rs565540429, ClinGen allele CA8024153.

ClinVar aggregate classification (germline): Likely benign. Review status: criteria provided, multiple submitters, no conflicts (2 of 4 stars). 6 submissions from 6 submitters: Likely benign (5). 1 of the submissions does not count toward it. Last evaluated 2024-05-01.

Conditions:
Amyotrophic lateral sclerosis type 6. Also called: FUS-Related Amyotrophic Laterial Sclerosis; AMYOTROPHIC LATERAL SCLEROSIS 6 WITHOUT FRONTOTEMPORAL DEMENTIA; Amyotrophic lateral sclerosis 6, with or without frontotemporal dementia. Identifiers: Orphanet 275872, Orphanet 803, MedGen C2931786, MONDO:0011951, OMIM 608030.
FUS-related disorder. Also called: FUS-related condition.
Inborn genetic diseases. Identifiers: MedGen C0950123, MeSH D030342.
Tremor, hereditary essential, 4 (ETM4). Identifiers: MedGen C3539195, MONDO:0013888, OMIM 614782.

Allele frequency attached by ClinVar (database versions not stated): TOPMed 0.00025.
gnomAD v4.1: 304 of 962,406 alleles (0.032%); highest among the groups gnomAD compares: Non-Finnish European, 0.048%; no homozygotes.

Submissions (6):

CeGaT Center for Human Genetics Tuebingen
Classification: Likely benign. Last evaluated: 2024-05-01. Review status: criteria provided, single submitter. Criteria: CeGaT Center For Human Genetics Tuebingen Variant Classification Criteria Version 2. Collection method: clinical testing. Allele origin: germline. Affected: yes. Observed: 2 variant alleles.
Comment: FUS: BP4, BS1

Ambry Genetics
Classification: Likely benign for Inborn genetic diseases. Last evaluated: 2023-07-05. Review status: criteria provided, single submitter. Criteria: Ambry Variant Classification Scheme 2023. Collection method: clinical testing. Allele origin: germline.

Labcorp Genetics (formerly Invitae), Labcorp
Classification: Likely benign for Tremor, hereditary essential, 4; Amyotrophic lateral sclerosis type 6. Last evaluated: 2022-08-23. Review status: criteria provided, single submitter. Criteria: Invitae Variant Classification Sherloc (09022015). Collection method: clinical testing. Allele origin: germline.

GeneDx
Classification: Likely benign. Last evaluated: 2019-02-27. Review status: criteria provided, single submitter. Criteria: GeneDx Variant Classification Process June 2021. Collection method: clinical testing. Allele origin: germline. Affected: yes.
Comment: This variant is associated with the following publications: (PMID: 31996268, 22292843)

Illumina Laboratory Services, Illumina
Classification: Likely benign for Amyotrophic lateral sclerosis type 6. Last evaluated: 2017-04-27. Review status: criteria provided, single submitter. Criteria: ICSL Variant Classification Criteria 13 December 2019. Collection method: clinical testing. Allele origin: germline.
Comment: This variant was observed as part of a predisposition screen in an ostensibly healthy population. A literature search was performed for the gene, cDNA change, and amino acid change (where applicable). Publications were found based on this search. The evidence from the literature, in combination with allele frequency data from public databases where available, was sufficient to determine this variant is unlikely to cause disease. Therefore, this variant is classified as likely benign.

PreventionGenetics, part of Exact Sciences
Classification: Likely benign for FUS-related condition. Last evaluated: 2023-11-08. Review status: no assertion criteria provided. Collection method: clinical testing. Allele origin: germline. Not counted in ClinVar's aggregate classification.
Comment: This variant is classified as likely benign based on ACMG/AMP sequence variant interpretation guidelines (Richards et al. 2015 PMID: 25741868, with internal and published modifications).

Literature cited by the submitters: PubMed 22292843 (cited by Illumina Laboratory Services, Illumina).